The following is an entry in ClinVar:

NM_020975.6(RET):c.2778T>G (p.His926Gln)

Gene: RET (ret proto-oncogene; plus strand). Cytogenetic location: 10q11.21.
Variant type: single nucleotide variant.
Coding change: c.2778T>G on transcript NM_020975.6 (MANE Select); coding-DNA position 2778, T replaced by G.
Protein change: p.His926Gln; replaces histidine 926 with glutamine.
Molecular consequence: missense variant.
Genome position (GRCh38, 1-based): chr10:43,121,993, T>G. VCF-style: chr10-43121993-T-G. GRCh37 (hg19) VCF-style: chr10-43617441-T-G.
Other names: c.2778T>G, p.His926Gln (NM_000323.2, NM_001406743.1, NM_001406744.1 and 4 more transcripts); c.2016T>G, p.His672Gln (NM_001355216.2); c.2649T>G, p.His883Gln (NM_001406761.1, NM_001406762.1, NM_001406764.1); c.2643T>G, p.His881Gln (NM_001406763.1, NM_001406765.1); c.2490T>G, p.His830Gln (NM_001406766.1, NM_001406767.1, NM_001406770.1); c.2514T>G, p.His838Gln (NM_001406768.1); c.2382T>G, p.His794Gln (NM_001406769.1, NM_001406772.1); c.2340T>G, p.His780Gln (NM_001406771.1, NM_001406773.1); and 10 more; short protein forms H672Q, H926Q, H443Q, H596Q, H684Q, H881Q, H883Q, H531Q.
Identifiers: ClinVar variation 956979 (VCV000956979.12), dbSNP rs1838228562, ClinGen allele CA376557591.
Genomic context (GRCh38, chr10:43,121,993, plus strand): 5'-ATCTTCTCTTTAGGGTCGGATTCCAGTTAAATGGATGGCAATTGAATCCCTTTTTGATCA[T>G]ATCTACACCACGCAAAGTGATGTGTAAGTGTGGGTGTTGCTCTCTTGGGGTGGAGGTTAC-3'
Protein context (NP_066124.1, residues 916-936): KWMAIESLFD[His926Gln]IYTTQSDVWS

ClinVar aggregate classification (germline): Uncertain significance. Review status: criteria provided, multiple submitters, no conflicts (2 of 4 stars). 2 submissions from 2 submitters: Uncertain significance (2). Last evaluated 2025-05-09.

Conditions:
Multiple endocrine neoplasia, type 2 (MEN2). Identifiers: Orphanet 653, MedGen C4048306, MONDO:0019003. Disease mechanism: gain of function.
Hereditary cancer-predisposing syndrome. Also called: Hereditary neoplastic syndrome; Tumor predisposition; Neoplastic Syndromes, Hereditary; Hereditary Cancer Syndrome. Identifiers: Orphanet 140162, MedGen C0027672, MeSH D009386, MONDO:0015356.

Submissions (2):

Labcorp Genetics (formerly Invitae), Labcorp
Classification: Uncertain significance for Multiple endocrine neoplasia, type 2. Last evaluated: 2025-05-09. Review status: criteria provided, single submitter. Criteria: Invitae Variant Classification Sherloc (09022015). Collection method: clinical testing. Allele origin: germline.
Comment: This sequence change replaces histidine, which is basic and polar, with glutamine, which is neutral and polar, at codon 926 of the RET protein (p.His926Gln). This variant is not present in population databases (gnomAD no frequency). This variant has not been reported in the literature in individuals affected with RET-related conditions. ClinVar contains an entry for this variant (Variation ID: 956979). An algorithm developed to predict the effect of missense changes on protein structure and function (PolyPhen-2) suggests that this variant is likely to be disruptive. In summary, the available evidence is currently insufficient to determine the role of this variant in disease. Therefore, it has been classified as a Variant of Uncertain Significance.

Ambry Genetics
Classification: Uncertain significance for Hereditary cancer-predisposing syndrome. Last evaluated: 2023-02-16. Review status: criteria provided, single submitter. Criteria: Ambry Variant Classification Scheme 2023. Collection method: clinical testing. Allele origin: germline.
Comment: The p.H926Q variant (also known as c.2778T>G), located in coding exon 16 of the RET gene, results from a T to G substitution at nucleotide position 2778. The histidine at codon 926 is replaced by glutamine, an amino acid with highly similar properties. This amino acid position is conserved. In addition, this alteration is predicted to be deleterious by in silico analysis. Since supporting evidence is limited at this time, the clinical significance of this alteration remains unclear.